The following is an entry in ClinVar:

NM_002618.4(PEX13):c.913+1G>T

Gene: PEX13 (peroxisomal biogenesis factor 13; plus strand). Cytogenetic location: 2p15.
Variant type: single nucleotide variant.
Coding change: c.913+1G>T on transcript NM_002618.4 (MANE Select); the canonical splice donor site of the intron after coding-DNA position 913, G replaced by T.
Molecular consequence: splice donor variant.
Genome position (GRCh38, 1-based): chr2:61,045,852, G>T. VCF-style: chr2-61045852-G-T. GRCh37 (hg19) VCF-style: chr2-61272987-G-T.
Other names: c.913+1G>T (NM_002618.3).
Identifiers: ClinVar variation 1897669 (VCV001897669.7), dbSNP rs1330624821, ClinGen allele CA346948910.

ClinVar aggregate classification (germline): Conflicting classifications of pathogenicity. Review status: criteria provided, conflicting classifications (1 of 4 stars). 3 submissions from 3 submitters: Pathogenic (1); Likely pathogenic (1); Uncertain significance (1). Last evaluated 2026-05-08.

Conditions:
PEX13-related disorder. Also called: PEX13-related condition; PEX13-related disorders.
Peroxisome biogenesis disorder. Identifiers: Orphanet 79189, MedGen C1832200, MONDO:0019234. Disease mechanism: loss of function.
Peroxisome biogenesis disorder 11A (Zellweger). Also called: Peroxisome biogenesis disorder 11A. Identifiers: Orphanet 912, MedGen C3554000, MONDO:0013949, OMIM 614883.

Allele frequency attached by ClinVar (database versions not stated): gnomAD 0.00001; TOPMed 0.00001.

Submissions (3):

PreventionGenetics, part of Exact Sciences
Classification: Likely pathogenic for PEX13-related condition. Last evaluated: 2026-05-08. Review status: criteria provided, single submitter. Criteria: ACMG Guidelines, 2015. Collection method: clinical testing. Allele origin: germline.
Comment: The PEX13 c.913+1G>T variant is predicted to disrupt the GT donor site and interfere with normal splicing. To our knowledge, this variant has not been reported in the literature. This variant is reported in 0.0018% of alleles in individuals of European (Non-Finnish) descent in gnomAD. Variants that disrupt the consensus splice donor site in PEX13 are expected to be pathogenic. This variant is interpreted as likely pathogenic.

Dasa
Classification: Uncertain significance for peroxisome biogenesis disorder. Last evaluated: 2025-09-26. Review status: criteria provided, single submitter. Criteria: DASA Assertion Criteria. Collection method: clinical testing. Allele origin: germline.
Comment: NM_002618.4(PEX13):c.913+1G>T affects a canonical splice site and is predicted to disrupt normal RNA splicing. This variant is rare in population databases. The currently available literature and clinical evidence are not sufficient to establish a definitive association between this variant and the reported condition. Therefore, this variant is classified as a variant of uncertain significance.

Labcorp Genetics (formerly Invitae), Labcorp
Classification: Pathogenic for Peroxisome biogenesis disorder 11A (Zellweger). Last evaluated: 2025-01-27. Review status: criteria provided, single submitter. Criteria: Invitae Variant Classification Sherloc (09022015). Collection method: clinical testing. Allele origin: germline.
Comment: This sequence change affects a donor splice site in intron 3 of the PEX13 gene. While this variant is not anticipated to result in nonsense mediated decay, it likely alters RNA splicing and results in a disrupted protein product. This variant is present in population databases (no rsID available, gnomAD 0.002%). This variant has not been reported in the literature in individuals affected with PEX13-related conditions. ClinVar contains an entry for this variant (Variation ID: 1897669). Variants that disrupt the consensus splice site are a relatively common cause of aberrant splicing (PMID: 17576681, 9536098). Algorithms developed to predict the effect of sequence changes on RNA splicing suggest that this variant may disrupt the consensus splice site. This variant disrupts a region of the PEX13 protein in which other variant(s) (p.Trp313*) have been determined to be pathogenic (PMID: 35854306; internal data). This suggests that this is a clinically significant region of the protein, and that variants that disrupt it are likely to be disease-causing. For these reasons, this variant has been classified as Pathogenic.

Literature cited by the submitters: PubMed 17576681 (cited by Labcorp Genetics (formerly Invitae), Labcorp); PubMed 9536098 (cited by Labcorp Genetics (formerly Invitae), Labcorp); PubMed 35854306 (cited by Labcorp Genetics (formerly Invitae), Labcorp).